The following is an entry in ClinVar:

ClinVar aggregate classification (germline): Uncertain significance (1 of 4 stars; one submission).

Allele frequency attached by ClinVar (database versions not stated): gnomAD exomes below 0.00001.
gnomAD v4.1: 6 of 1,614,154 alleles (0.00037%); highest among the groups gnomAD compares: Non-Finnish European, 0.00042%; no homozygotes.

Submission:

Labcorp Genetics (formerly Invitae), Labcorp
Classification: Uncertain significance. Last evaluated: 2025-08-04. Review status: criteria provided, single submitter. Criteria: Invitae Variant Classification Sherloc (09022015). Collection method: clinical testing. Allele origin: germline.
Comment: This sequence change replaces arginine, which is basic and polar, with histidine, which is basic and polar, at codon 565 of the ACTN1 protein (p.Arg565His). This variant is present in population databases (rs758830672, gnomAD 0.0009%). This variant has not been reported in the literature in individuals affected with ACTN1-related conditions. ClinVar contains an entry for this variant (Variation ID: 2912539). Invitae Evidence Modeling of protein sequence and biophysical properties (such as structural, functional, and spatial information, amino acid conservation, physicochemical variation, residue mobility, and thermodynamic stability) indicates that this missense variant is not expected to disrupt ACTN1 protein function with a negative predictive value of 80%. In summary, the available evidence is currently insufficient to determine the role of this variant in disease. Therefore, it has been classified as a Variant of Uncertain Significance.

NM_001130004.2(ACTN1):c.1694G>A (p.Arg565His)

Gene: ACTN1 (actinin alpha 1; minus strand). Cytogenetic location: 14q24.1.
Variant type: single nucleotide variant.
Coding change: c.1694G>A on transcript NM_001130004.2 (MANE Select); coding-DNA position 1694, G replaced by A.
Protein change: p.Arg565His; replaces arginine 565 with histidine.
Molecular consequence: missense variant. On other transcripts: intron variant (5).
Genome position (GRCh38, 1-based): chr14:68,882,997, C>T on the plus strand (G>A on the coding strand, the complement: ACTN1 is on the minus strand). VCF-style: chr14-68882997-C-T. GRCh37 (hg19) VCF-style: chr14-69349714-C-T.
Other names: c.1694G>A, p.Arg565His (NM_001102.4, NM_001130005.2, NM_001424012.1 and 2 more transcripts); c.1718G>A, p.Arg573His (NM_001411035.1, NM_001424016.1); c.1499G>A, p.Arg500His (NM_001411036.1, NM_001424026.1, NM_001424028.1); c.1820G>A, p.Arg607His (NM_001424013.1); c.1781G>A, p.Arg594His (NM_001424015.1); c.1691G>A, p.Arg564His (NM_001424017.1); c.1655G>A, p.Arg552His (NM_001424018.1); c.1631G>A, p.Arg544His (NM_001424020.1, NM_001424022.1); and 3 more; short protein forms R290H, R542H, R564H, R594H, R544H, R500H, R552H, R565H.
Identifiers: ClinVar variation 2912539 (VCV002912539.3), dbSNP rs758830672, ClinGen allele CA7242297.
Genomic context (GRCh38, chr14:68,882,997, plus strand): 5'-TTGACGTGGTAGGTCTGGACAATCTTGGACACCTCATTGTGGATGCCCAGGATGGCCAGG[C>T]GCTCCTTGTCGGCATCAGGGAGGGTGGCCTTGAACTGCTCATGGGCTGTGGTCAGTCCCT-3'
Protein context (NP_001123476.1, residues 555-575): KATLPDADKE[Arg565His]LAILGIHNEV